The following is an entry in ClinVar:

ClinVar aggregate classification (germline): Pathogenic/Likely pathogenic. Review status: criteria provided, multiple submitters, no conflicts (2 of 4 stars). 3 submissions from 3 submitters: Pathogenic (1); Likely pathogenic (1). 1 of the submissions does not count toward it. Last evaluated 2024-12-03.

Conditions:
Fanconi anemia (FA). Also called: Fanconi's anemia. Identifiers: Orphanet 84, MedGen C0015625, MeSH D005199, MONDO:0019391.
Fanconi anemia complementation group C (FANCC). Also called: Fanconi anemia, group C; FANCONI PANCYTOPENIA, TYPE 3; FACC; FANCC-Related Fanconi Anemia. Identifiers: Orphanet 84, MedGen C3468041, MONDO:0009213, OMIM 227645.

Allele frequency attached by ClinVar (database versions not stated): gnomAD exomes below 0.00001; TOPMed below 0.00001; gnomAD 0.00001.

Submissions (3):

Natera, Inc.
Classification: Likely pathogenic for Fanconi anemia. Last evaluated: 2024-12-03. Review status: criteria provided, single submitter. Criteria: Natera Variant Classification Schema (03/2026). Collection method: clinical testing. Allele origin: germline.
Comment: The c.108_109dup variant in FANCC is a frameshift variant predicted to shift the reading frame beginning at codon 37 and leads to a stop codon 10 codons downstream. This variant is expected to result in nonsense mediated decay, truncation, or a dysfunctional protein product. This variant is rare in the general population with a frequency below the threshold expected for the associated phenotype(s). Given the available evidence, this variant is classified as Likely Pathogenic.

Labcorp Genetics (formerly Invitae), Labcorp
Classification: Pathogenic for Fanconi anemia. Last evaluated: 2021-02-13. Review status: criteria provided, single submitter. Criteria: Invitae Variant Classification Sherloc (09022015). Collection method: clinical testing. Allele origin: germline.
Comment: For these reasons, this variant has been classified as Pathogenic. This variant has not been reported in the literature in individuals with FANCC-related conditions. ClinVar contains an entry for this variant (Variation ID: 371258). This variant is not present in population databases (ExAC no frequency). This sequence change creates a premature translational stop signal (p.His37Leufs*10) in the FANCC gene. It is expected to result in an absent or disrupted protein product. Loss-of-function variants in FANCC are known to be pathogenic (PMID: 17924555).

Counsyl
Classification: Likely pathogenic for Fanconi anemia complementation group C. Last evaluated: 2016-08-09. Review status: no assertion criteria provided. Collection method: clinical testing. Allele origin: unknown. Not counted in ClinVar's aggregate classification.

Literature cited by the submitters: PubMed 17924555 (cited by Labcorp Genetics (formerly Invitae), Labcorp); PubMed 8639804 (cited by Counsyl).

NM_000136.3(FANCC):c.108_109dup (p.His37fs)

Gene: FANCC (FA complementation group C; minus strand). Cytogenetic location: 9q22.32.
Variant type: Duplication.
Coding change: c.108_109dup on transcript NM_000136.3 (MANE Select); coding-DNA positions 108 to 109, 2 bases duplicated (TC; older notation c.108_109dupTC).
Protein change: p.His37fs; shifts the reading frame from histidine 37.
Molecular consequence: frameshift variant.
Genome position (GRCh38, 1-based): chr9:95,249,183-95,249,184, GA duplicated on the plus strand (TC on the coding strand, the reverse complement: FANCC is on the minus strand). VCF-style (leftmost placement, unchanged base first): chr9-95249182-T-TGA. GRCh37 (hg19) VCF-style: chr9-98011464-T-TGA.
Other names: c.108_109dup, p.His37fs (NM_001243743.2, NM_001243744.2); c.108_109dupTC (NM_000136.2); c.108_109dup (NM_000136.2); short protein forms H37fs.
Identifiers: ClinVar variation 371258 (VCV000371258.10), dbSNP rs1057517131, ClinGen allele CA16041353.